The following is an entry in ClinVar:

ClinVar aggregate classification (germline): Uncertain significance (1 of 4 stars; one submission).

Conditions:
Autosomal recessive spinocerebellar ataxia 12. Also called: SPINOCEREBELLAR ATAXIA WITH MENTAL RETARDATION AND EPILEPSY. Identifiers: Orphanet 284282, MedGen C3280452, MONDO:0013687, OMIM 614322.
Developmental and epileptic encephalopathy, 1 (DEE1). Also called: X-linked infantile spasms; West's syndrome; Tonic spasms with clustering, arrest of psychomotor development and hypsarrhythmia on EEG; X-Linked Infantile Spasm Syndrome; OHTAHARA SYNDROME, X-LINKED; Epileptic encephalopathy, early infantile, 1. Identifiers: MedGen C3463992, MONDO:0010632, OMIM 308350. Disease mechanism: loss of function.

Allele frequency attached by ClinVar (database versions not stated): ESP Exome Variant Server 0.00008.
gnomAD v4.1: 13 of 1,614,104 alleles (0.00081%); highest among the groups gnomAD compares: Non-Finnish European, 0.001%; no homozygotes.

Submission:

Labcorp Genetics (formerly Invitae), Labcorp
Classification: Uncertain significance for Developmental and epileptic encephalopathy, 1; Autosomal recessive spinocerebellar ataxia 12. Last evaluated: 2022-09-06. Review status: criteria provided, single submitter. Criteria: Invitae Variant Classification Sherloc (09022015). Collection method: clinical testing. Allele origin: germline.
Comment: This sequence change replaces glutamic acid, which is acidic and polar, with glutamine, which is neutral and polar, at codon 391 of the WWOX protein (p.Glu391Gln). This variant is present in population databases (rs375757102, gnomAD 0.002%). This variant has not been reported in the literature in individuals affected with WWOX-related conditions. ClinVar contains an entry for this variant (Variation ID: 1381921). Algorithms developed to predict the effect of missense changes on protein structure and function output the following: SIFT: "Not Available"; PolyPhen-2: "Benign"; Align-GVGD: "Not Available". The glutamine amino acid residue is found in multiple mammalian species, which suggests that this missense change does not adversely affect protein function. In summary, the available evidence is currently insufficient to determine the role of this variant in disease. Therefore, it has been classified as a Variant of Uncertain Significance.

NM_016373.4(WWOX):c.1171G>C (p.Glu391Gln)

Genes: MAF (MAF bZIP transcription factor; minus strand), WWOX (WW domain containing oxidoreductase; plus strand). Cytogenetic location: 16q23.2.
Variant type: single nucleotide variant.
Coding change: c.1171G>C on transcript NM_016373.4 (MANE Select); coding-DNA position 1171, G replaced by C.
Protein change: p.Glu391Gln; replaces glutamic acid 391 with glutamine.
Molecular consequence: missense variant.
Genome position (GRCh38, 1-based): chr16:79,211,722, G>C. VCF-style: chr16-79211722-G-C. GRCh37 (hg19) VCF-style: chr16-79245619-G-C.
Other names: c.832G>C, p.Glu278Gln (NM_001291997.2); short protein forms E278Q, E391Q.
Identifiers: ClinVar variation 1381921 (VCV001381921.5), dbSNP rs375757102, ClinGen allele CA8183772.